The following is an entry in ClinVar:

NM_003177.7(SYK):c.1065C>T (p.Pro355=)

Gene: SYK (spleen associated tyrosine kinase; plus strand). Cytogenetic location: 9q22.2.
Variant type: single nucleotide variant.
Coding change: c.1065C>T on transcript NM_003177.7 (MANE Select); coding-DNA position 1065, C replaced by T.
Protein change: p.Pro355=; no amino-acid change (proline 355 retained).
Molecular consequence: synonymous variant.
Genome position (GRCh38, 1-based): chr9:90,874,733, C>T. VCF-style: chr9-90874733-C-T. GRCh37 (hg19) VCF-style: chr9-93637015-C-T.
Other names: p.Pro355=; c.996C>T, p.Pro332= (NM_001135052.4, NM_001174168.3); c.1065C>T, p.Pro355= (NM_001174167.3).
Identifiers: ClinVar variation 2688051 (VCV002688051.4), dbSNP rs2290890, ClinGen allele CA5119414.

ClinVar aggregate classification (germline): Benign. Review status: criteria provided, multiple submitters, no conflicts (2 of 4 stars). 3 submissions from 3 submitters: Benign (3). Last evaluated 2026-01-21.

Allele frequency attached by ClinVar (database versions not stated): ESP Exome Variant Server 0.16408; gnomAD 0.18350; 1000 Genomes Project 0.19589; TOPMed 0.19650; 1000 Genomes Project 30x 0.19769.
gnomAD v4.1: 253,495 of 1,613,792 alleles (16%); highest among the groups gnomAD compares: Admixed American, 38%; 22,523 homozygotes.

Submissions (3):

Women's Health and Genetics/Laboratory Corporation of America, LabCorp
Classification: Benign. Last evaluated: 2026-01-21. Review status: criteria provided, single submitter. Criteria: LabCorp Variant Classification Summary - May 2015. Collection method: clinical testing. Allele origin: germline.

Unidad de Genómica Garrahan, Hospital de Pediatría Garrahan
Classification: Benign. Last evaluated: 2024-01-24. Review status: criteria provided, single submitter. Criteria: ACMG Guidelines, 2015. Collection method: clinical testing. Allele origin: germline. Affected: no. Observed: 60 variant alleles.
Comment: This variant is classified as Benign based on local population frequency. This variant was detected in 63% of patients studied by a panel of primary immunodeficiencies. Number of patients: 60. Only high quality variants are reported.

Mayo Clinic Laboratories, Mayo Clinic
Classification: Benign. Last evaluated: 2022-09-06. Review status: criteria provided, single submitter. Criteria: ACMG Guidelines, 2015. Collection method: clinical testing. Allele origin: germline. Observed: 16 variant alleles.